The following is an entry in ClinVar:

ClinVar aggregate classification (germline): Uncertain significance. Review status: criteria provided, multiple submitters, no conflicts (2 of 4 stars). 2 submissions from 2 submitters: Uncertain significance (2). Last evaluated 2026-04-20.

Conditions:
EP300-related disorder. Also called: EP300-related condition; EP300-related disorders.
Inborn genetic diseases. Identifiers: MedGen C0950123, MeSH D030342.

Submissions (2):

Ambry Genetics
Classification: Uncertain significance for Inborn genetic diseases. Last evaluated: 2026-04-20. Review status: criteria provided, single submitter. Criteria: Ambry Variant Classification Scheme 2023. Collection method: clinical testing. Allele origin: germline.

PreventionGenetics, part of Exact Sciences
Classification: Uncertain significance for EP300-related condition. Last evaluated: 2025-09-29. Review status: criteria provided, single submitter. Criteria: ACMG Guidelines, 2015. Collection method: clinical testing. Allele origin: germline.
Comment: The EP300 c.406A>C variant is predicted to result in the amino acid substitution p.Met136Leu. To our knowledge, this variant has not been reported in the literature or in a large population database (gnomAD), indicating this variant is rare. At this time, the clinical significance of this variant is uncertain due to the absence of conclusive functional and genetic evidence.

NM_001429.4(EP300):c.406A>C (p.Met136Leu)

Gene: EP300 (EP300 lysine acetyltransferase; plus strand). Cytogenetic location: 22q13.2.
Variant type: single nucleotide variant.
Coding change: c.406A>C on transcript NM_001429.4 (MANE Select); coding-DNA position 406, A replaced by C.
Protein change: p.Met136Leu; replaces methionine 136 with leucine.
Molecular consequence: missense variant.
Genome position (GRCh38, 1-based): chr22:41,117,498, A>C. VCF-style: chr22-41117498-A-C. GRCh37 (hg19) VCF-style: chr22-41513502-A-C.
Other names: c.406A>C, p.Met136Leu (NM_001362843.2); short protein forms M136L.
Identifiers: ClinVar variation 4870508 (VCV004870508.2).